The following is an entry in ClinVar:

ClinVar aggregate classification (germline): Conflicting classifications of pathogenicity. Review status: criteria provided, conflicting classifications (1 of 4 stars). 5 submissions from 5 submitters: Uncertain significance (3); Benign (1); Likely benign (1). Last evaluated 2025-09-20.

Conditions:
Alzheimer disease. Also called: Presenile and senile dementia; Alzheimer's disease. Identifiers: Orphanet 1020, MedGen C0002395, MeSH D000544, MONDO:0004975, HP:0002511.
APP-related disorder. Also called: APP-related condition.

Allele frequency attached by ClinVar (database versions not stated): TOPMed 0.00006; ESP Exome Variant Server 0.00015; 1000 Genomes Project 30x 0.00016; 1000 Genomes Project 0.00020; gnomAD exomes 0.00022 and 0.00038; ExAC 0.00032; gnomAD 0.00049 and 0.00050.
gnomAD v4.1: 393 of 1,614,126 alleles (0.024%); highest among the groups gnomAD compares: East Asian, 0.049%; 1 homozygote.

Submissions (5):

Labcorp Genetics (formerly Invitae), Labcorp
Classification: Benign for Alzheimer disease. Last evaluated: 2025-09-20. Review status: criteria provided, single submitter. Criteria: Invitae Variant Classification Sherloc (09022015). Collection method: clinical testing. Allele origin: germline.

CeGaT Center for Human Genetics Tuebingen
Classification: Uncertain significance. Last evaluated: 2025-03-01. Review status: criteria provided, single submitter. Criteria: CeGaT Center For Human Genetics Tuebingen Variant Classification Criteria Version 2. Collection method: clinical testing. Allele origin: germline. Affected: yes. Observed: 1 variant allele.

Women's Health and Genetics/Laboratory Corporation of America, LabCorp
Classification: Likely benign. Last evaluated: 2025-01-29. Review status: criteria provided, single submitter. Criteria: LabCorp Variant Classification Summary - May 2015. Collection method: clinical testing. Allele origin: germline.
Comment: Variant summary: APP c.1810G>A (p.Val604Met) results in a conservative amino acid change in the encoded protein sequence. Three of five in-silico tools predict a benign effect of the variant on protein function. The variant allele was found at a frequency of 0.00024 in 1607152 control chromosomes, predominantly at a frequency of 0.0027 within the Finnish subpopulation in the gnomAD database, including 1 homozygote. The observed variant frequency within Finnish control individuals in the gnomAD database exceeds the estimated maximal expected allele frequency for a pathogenic variant in APP causing Cerebral Amyloid Angiopathy, APP-Related phenotype. The variant, c.1810G>A, has been reported in individuals affected with dementia (Van Giau_2018, Mao_2021), however no segregation evidence was provided, in addition the variant was also reported in healthy individuals (e.g. Abondio_2022). To our knowledge no experimental evidence demonstrating its impact on protein function have been reported. The following publications have been ascertained in the context of this evaluation (PMID: 30510423, 34102969, 36555510). ClinVar contains an entry for this variant (Variation ID: 339632). Based on the evidence outlined above, the variant was classified as likely benign.

PreventionGenetics, part of Exact Sciences
Classification: Uncertain significance for APP-related condition. Last evaluated: 2024-12-09. Review status: criteria provided, single submitter. Criteria: ACMG Guidelines, 2015. Collection method: clinical testing. Allele origin: germline.
Comment: The APP c.1810G>A variant is predicted to result in the amino acid substitution p.Val604Met. This variant has been reported in individuals with Alzheimer disease (Van Giau et al. 2018. PubMed ID: 30510423; Mao et al. 2021. PubMed ID: 34102969). This variant is reported in 0.26% of alleles in individuals of European (Finnish) descent in gnomAD. Although we suspect that this variant may be benign, at this time, the clinical significance of this variant is uncertain due to the absence of conclusive functional and genetic evidence.

Illumina Laboratory Services, Illumina
Classification: Uncertain significance for Alzheimer disease type 1. Last evaluated: 2018-01-13. Review status: criteria provided, single submitter. Criteria: ICSL Variant Classification Criteria 13 December 2019. Collection method: clinical testing. Allele origin: germline.

Literature cited by the submitters: PubMed 34102969 (cited by Women's Health and Genetics/Laboratory Corporation of America, LabCorp); PubMed 36555510 (cited by Women's Health and Genetics/Laboratory Corporation of America, LabCorp); PubMed 30510423 (cited by Women's Health and Genetics/Laboratory Corporation of America, LabCorp).

NM_000484.4(APP):c.1810G>A (p.Val604Met)

Gene: APP (amyloid beta precursor protein; minus strand). Cytogenetic location: 21q21.3.
Variant type: single nucleotide variant.
Coding change: c.1810G>A on transcript NM_000484.4 (MANE Select); coding-DNA position 1810, G replaced by A.
Protein change: p.Val604Met; replaces valine 604 with methionine.
Molecular consequence: missense variant.
Genome position (GRCh38, 1-based): chr21:25,911,840, C>T on the plus strand (G>A on the coding strand, the complement: APP is on the minus strand). VCF-style: chr21-25911840-C-T. GRCh37 (hg19) VCF-style: chr21-27284152-C-T.
Other names: c.1738G>A, p.Val580Met (NM_001136016.3); c.1417G>A, p.Val473Met (NM_001136129.3); c.1642G>A, p.Val548Met (NM_001136130.3, NM_001385253.1); c.1480G>A, p.Val494Met (NM_001136131.3); c.1810G>A, p.Val604Met (NM_001204301.2); c.1753G>A, p.Val585Met (NM_001204302.2, NM_201413.3); c.1585G>A, p.Val529Met (NM_001204303.2, NM_201414.3); short protein forms V604M, V529M, V473M, V548M, V494M, V580M, V585M.
Identifiers: ClinVar variation 339632 (VCV000339632.24), dbSNP rs199887707, ClinGen allele CA9987190.
Genomic context (GRCh38, chr21:25,911,840, plus strand): 5'-AAGAATGCCACGGCTGGAGATCGTCCAGGCTGAACTCTCCATTCACGGGAAGGAGCTCCA[C>T]GGTGGTTTTCGTTTCGGTCAAAGATGGCATGAGAGCATCGTTTCCGTAACTGATCCTTGG-3'
Protein context (NP_000475.1, residues 594-614): MPSLTETKTT[Val604Met]ELLPVNGEFS